The following is an entry in ClinVar:

NM_001386795.1(DTNA):c.*2592C>T

Gene: DTNA (dystrobrevin alpha; plus strand). Cytogenetic location: 18q12.1.
Variant type: single nucleotide variant.
Coding change: c.*2592C>T on transcript NM_001386795.1 (MANE Select); 2592 bases downstream of the stop codon, C replaced by T.
Molecular consequence: 3 prime UTR variant. On other transcripts: synonymous variant (2).
Genome position (GRCh38, 1-based): chr18:34,890,326, C>T. VCF-style: chr18-34890326-C-T. GRCh37 (hg19) VCF-style: chr18-32470290-C-T.
Other names: c.2061C>T (NM_001198938.1); c.2061C>T, p.Leu687= (NM_001198938.2, NM_001386753.1); c.*2592C>T (NM_001198939.2, NM_001198940.2, NM_001198942.1 and 12 more transcripts); c.*58C>T (NM_001386755.1, NM_001386756.1, NM_001386759.1 and 7 more transcripts).
Identifiers: ClinVar variation 1316615 (VCV001316615.4), dbSNP rs530439494, ClinGen allele CA8936009.
Genomic context (GRCh38, chr18:34,890,326, plus strand): 5'-TTCTGACTAACCAGCCACCTTTTCTCTCTCTTAGCTCCACGTCAGCACTGAGACCAGACT[C>T]GAGCACCCCTGTCCTGTAAGCGAGACAAAATGGCGTGTGTTATTTTGGGGTTTTGTGTTT-3'

ClinVar aggregate classification (germline): Likely benign. Review status: criteria provided, multiple submitters, no conflicts (2 of 4 stars). 3 submissions from 3 submitters: Likely benign (3). Last evaluated 2025-06-21.

Conditions:
DTNA-related disorder. Also called: DTNA-related condition.

Allele frequency attached by ClinVar (database versions not stated): gnomAD 0.00008 and 0.00020; gnomAD exomes 0.00033 and 0.00077; 1000 Genomes Project 0.00060; 1000 Genomes Project 30x 0.00078; ExAC 0.00334.
gnomAD v4.1: 492 of 1,536,074 alleles (0.032%); highest among the groups gnomAD compares: South Asian, 0.37%; 2 homozygotes.

Submissions (3):

PreventionGenetics, part of Exact Sciences
Classification: Likely benign for DTNA-related condition. Last evaluated: 2025-06-21. Review status: criteria provided, single submitter. Criteria: ACMG Guidelines, 2015. Collection method: clinical testing. Allele origin: germline.
Comment: This variant is classified as likely benign based on ACMG/AMP sequence variant interpretation guidelines (Richards et al. 2015 PMID: 25741868, with internal and published modifications).

Blueprint Genetics
Classification: Likely benign. Last evaluated: 2024-09-13. Review status: criteria provided, single submitter. Criteria: ACMG Guidelines, 2015. Collection method: clinical testing. Allele origin: germline.

GeneDx
Classification: Likely benign. Last evaluated: 2018-03-29. Review status: criteria provided, single submitter. Criteria: GeneDx Variant Classification Process June 2021. Collection method: clinical testing. Allele origin: germline. Affected: yes.